The following is an entry in ClinVar:

NM_001844.5(COL2A1):c.1078G>A (p.Gly360Ser)

Gene: COL2A1 (collagen type II alpha 1 chain; minus strand). Cytogenetic location: 12q13.11.
Variant type: single nucleotide variant.
Coding change: c.1078G>A on transcript NM_001844.5 (MANE Select); coding-DNA position 1078, G replaced by A.
Protein change: p.Gly360Ser; replaces glycine 360 with serine.
Molecular consequence: missense variant.
Genome position (GRCh38, 1-based): chr12:47,989,272, C>T on the plus strand (G>A on the coding strand, the complement: COL2A1 is on the minus strand). VCF-style: chr12-47989272-C-T. GRCh37 (hg19) VCF-style: chr12-48383055-C-T.
Other names: c.871G>A, p.Gly291Ser (NM_033150.3); c.1078G>A (NM_001844.4); short protein forms G291S, G360S.
Identifiers: ClinVar variation 1923025 (VCV001923025.9), dbSNP rs757504416, ClinGen allele CA6535610.

ClinVar aggregate classification (germline): Conflicting classifications of pathogenicity. Review status: criteria provided, conflicting classifications (1 of 4 stars). 5 submissions from 5 submitters: Likely pathogenic (3); Uncertain significance (2). Last evaluated 2026-03-24.

Conditions:
Fetal anomalies with a likely genetic cause.
Autosomal dominant COL2A1-related disorders.

Allele frequency attached by ClinVar (database versions not stated): ExAC 0.00001; gnomAD exomes 0.00001; TOPMed 0.00001.

Submissions (5):

GeneDx
Classification: Likely pathogenic. Last evaluated: 2026-03-24. Review status: criteria provided, single submitter. Criteria: GeneDx Variant Classification Process June 2021. Collection method: clinical testing. Allele origin: germline.
Comment: Occurs in the triple helical domain and replaces a glycine in a canonical Gly-X-Y repeat; missense substitution of a canonical glycine residue is expected to disrupt normal protein folding and function, and this is an established mechanism of disease (PMID: 34007986); In silico analysis supports that this missense variant has a deleterious effect on protein structure/function; Has not been previously published as pathogenic or benign to our knowledge; This variant is associated with the following publications: (PMID: 34007986)

Genetics Laboratory, Great Ormond Street Hospital NHS Foundation Trust, North Thames Genomic Laboratory Hub
Classification: Uncertain significance for Fetal anomalies with a likely genetic cause. Last evaluated: 2026-03-19. Review status: criteria provided, single submitter. Criteria: ACGS Best Practice Guidelines for Variant Classification in Rare Disease 2024 v1.2. Collection method: clinical testing. Allele origin: germline. Affected: yes.
Comment: PP3_supporting, PM1_strong

Labcorp Genetics (formerly Invitae), Labcorp
Classification: Likely pathogenic. Last evaluated: 2025-12-25. Review status: criteria provided, single submitter. Criteria: Invitae Variant Classification Sherloc (09022015). Collection method: clinical testing. Allele origin: germline.
Comment: This sequence change replaces glycine, which is neutral and non-polar, with serine, which is neutral and polar, at codon 360 of the COL2A1 protein (p.Gly360Ser). The frequency data for this variant in the population databases is considered unreliable, as metrics indicate poor data quality at this position in the gnomAD database. This variant has not been reported in the literature in individuals affected with COL2A1-related conditions. ClinVar contains an entry for this variant (Variation ID: 1923025). Invitae Evidence Modeling of protein sequence and biophysical properties (such as structural, functional, and spatial information, amino acid conservation, physicochemical variation, residue mobility, and thermodynamic stability) indicates that this missense variant is expected to disrupt COL2A1 protein function with a positive predictive value of 95%. This variant disrupts the triple helix domain of COL2A1. Glycine residues within the Gly-Xaa-Yaa repeats of the triple helix domain are required for the structure and stability of fibrillar collagens (PMID: 7695699, 8218237, 19344236). In COL2A1, variants affecting these glycine residues are significantly enriched in individuals with disease (PMID: 9016532, 17078022) compared to the general population (ExAC). In summary, the currently available evidence indicates that the variant is pathogenic, but additional data are needed to prove that conclusively. Therefore, this variant has been classified as Likely Pathogenic.

Dasa
Classification: Uncertain significance. Last evaluated: 2025-07-24. Review status: criteria provided, single submitter. Criteria: DASA Assertion Criteria. Collection method: clinical testing. Allele origin: germline.
Comment: NM_001844.5(COL2A1):c.1078G>A (p.Gly360Ser) is a missense variant that results in the substitution of glycine with serine. The affected residue or protein region has prior evidence supporting clinical relevance. This variant is rare in population databases. Computational prediction algorithms are consistent with a deleterious effect. The currently available literature and clinical evidence are not sufficient to establish a definitive association between this variant and the reported condition. Therefore, this variant is classified as a variant of uncertain significance.

Variantyx, Inc.
Classification: Likely pathogenic for Autosomal dominant COL2A1-related disorders. Last evaluated: 2025-04-08. Review status: criteria provided, single submitter. Criteria: Variantyx Assertion Criteria 2022. Collection method: clinical testing. Allele origin: germline. Inheritance: Autosomal dominant inheritance. Affected: no.
Comment: This is a nonsynonymous variant in the COL2A1 gene (OMIM: 120140). Pathogenic variants in this gene have been associated with autosomal dominant COL2A1-related disorders. This variant lies within a known hotspot for pathogenic variants or a well-established critical functional domain of the COL2A1 protein (PMID: 26626311, 7695699, 8218237, 19344236) (PM1_Strong). Multiple computational algorithms predict a deleterious effect for this variant (REVEL score: 0.87) (PP3). This variant has a 0.0025% maximum allele frequency in non-founder control populations (PM2). Based on the current evidence, this variant is classified as likely pathogenic for autosomal dominant COL2A1-related disorders.

Literature cited by the submitters: PubMed 7695699 (cited by Labcorp Genetics (formerly Invitae), Labcorp and Variantyx, Inc.); PubMed 8218237 (cited by Labcorp Genetics (formerly Invitae), Labcorp and Variantyx, Inc.); PubMed 19344236 (cited by Labcorp Genetics (formerly Invitae), Labcorp and Variantyx, Inc.); PubMed 9016532 (cited by Labcorp Genetics (formerly Invitae), Labcorp); PubMed 17078022 (cited by Labcorp Genetics (formerly Invitae), Labcorp); PubMed 26626311 (cited by Variantyx, Inc.).